The following is an entry in ClinVar:

ClinVar aggregate classification (germline): Uncertain significance. Review status: criteria provided, multiple submitters, no conflicts (2 of 4 stars). 3 submissions from 3 submitters: Uncertain significance (3). Last evaluated 2026-01-09.

Conditions:
Developmental and epileptic encephalopathy, 11 (DEE11). Also called: Early infantile epileptic encephalopathy 11. Identifiers: Orphanet 1934, MedGen C3150987, MONDO:0013388, OMIM 613721.
Seizures, benign familial infantile, 3 (BFIS3). Also called: Familial neonatal seizures; CONVULSIONS, BENIGN FAMILIAL INFANTILE, 3. Identifiers: Orphanet 140927, Orphanet 306, MedGen C1843140, MONDO:0011904, OMIM 607745.
Inborn genetic diseases. Identifiers: MedGen C0950123, MeSH D030342.

Allele frequency attached by ClinVar (database versions not stated): gnomAD exomes below 0.00001.
gnomAD v4.1: 1 of 1,614,054 alleles (0.000062%); highest among the groups gnomAD compares: Admixed American, 0.0017%; no homozygotes.

Submissions (3):

Ambry Genetics
Classification: Uncertain significance for Inborn genetic diseases. Last evaluated: 2026-01-09. Review status: criteria provided, single submitter. Criteria: Ambry Variant Classification Scheme 2023. Collection method: clinical testing. Allele origin: germline.

GeneDx
Classification: Uncertain significance. Last evaluated: 2024-01-17. Review status: criteria provided, single submitter. Criteria: GeneDx Variant Classification Process June 2021. Collection method: clinical testing. Allele origin: germline. Affected: yes.
Comment: Not observed at significant frequency in large population cohorts (gnomAD); Missense variants in this gene are a common cause of disease and they are underrepresented in the general population; In silico analysis supports that this missense variant has a deleterious effect on protein structure/function; Has not been previously published as pathogenic or benign to our knowledge; This substitution is predicted to be within the intracellular loop between the first and second homologous domain.

Labcorp Genetics (formerly Invitae), Labcorp
Classification: Uncertain significance for Seizures, benign familial infantile, 3; Developmental and epileptic encephalopathy, 11. Last evaluated: 2022-03-03. Review status: criteria provided, single submitter. Criteria: Invitae Variant Classification Sherloc (09022015). Collection method: clinical testing. Allele origin: germline.
Comment: The frequency data for this variant in the population databases is considered unreliable, as metrics indicate poor data quality at this position in the gnomAD database. This sequence change replaces arginine, which is basic and polar, with glycine, which is neutral and non-polar, at codon 505 of the SCN2A protein (p.Arg505Gly). This variant has not been reported in the literature in individuals affected with SCN2A-related conditions. Algorithms developed to predict the effect of missense changes on protein structure and function are either unavailable or do not agree on the potential impact of this missense change (SIFT: "Deleterious"; PolyPhen-2: "Possibly Damaging"; Align-GVGD: "Class C0"). In summary, the available evidence is currently insufficient to determine the role of this variant in disease. Therefore, it has been classified as a Variant of Uncertain Significance.

NM_001040142.2(SCN2A):c.1513A>G (p.Arg505Gly)

Gene: SCN2A (sodium voltage-gated channel alpha subunit 2; plus strand). Cytogenetic location: 2q24.3.
Variant type: single nucleotide variant.
Coding change: c.1513A>G on transcript NM_001040142.2 (MANE Select); coding-DNA position 1513, A replaced by G.
Protein change: p.Arg505Gly; replaces arginine 505 with glycine.
Molecular consequence: missense variant.
Genome position (GRCh38, 1-based): chr2:165,315,600, A>G. VCF-style: chr2-165315600-A-G. GRCh37 (hg19) VCF-style: chr2-166172110-A-G.
Other names: c.1513A>G (NM_021007.2); c.1513A>G, p.Arg505Gly (NM_001040143.2, NM_001371246.1, NM_001371247.1 and 1 more transcripts); short protein forms R505G.
Identifiers: ClinVar variation 1390107 (VCV001390107.8), dbSNP rs1378908186, ClinGen allele CA349023256.